The following is an entry in ClinVar:

ClinVar aggregate classification (germline): Uncertain significance. Review status: criteria provided, multiple submitters, no conflicts (2 of 4 stars). 2 submissions from 2 submitters: Uncertain significance (2). Last evaluated 2024-05-28.

Conditions:
Hereditary cancer-predisposing syndrome. Also called: Hereditary Cancer Syndrome; Tumor predisposition; Neoplastic Syndromes, Hereditary; Hereditary neoplastic syndrome. Identifiers: Orphanet 140162, MedGen C0027672, MeSH D009386, MONDO:0015356.
Cardiovascular phenotype. Identifiers: MedGen CN230736.
Neurofibromatosis, type 1 (NF1). Also called: VON RECKLINGHAUSEN DISEASE; Neurofibromatosis, type I; NEUROFIBROMATOSIS, TYPE I, SOMATIC; Peripheral type neurofibromatosis. Identifiers: Orphanet 636, MedGen C0027831, MONDO:0018975, OMIM 162200. Disease mechanism: loss of function.

Submissions (2):

Labcorp Genetics (formerly Invitae), Labcorp
Classification: Uncertain significance for Neurofibromatosis, type 1. Last evaluated: 2024-05-28. Review status: criteria provided, single submitter. Criteria: Invitae Variant Classification Sherloc (09022015). Collection method: clinical testing. Allele origin: germline.
Comment: This sequence change replaces proline, which is neutral and non-polar, with arginine, which is basic and polar, at codon 2138 of the NF1 protein (p.Pro2138Arg). This variant is not present in population databases (gnomAD no frequency). This variant has not been reported in the literature in individuals affected with NF1-related conditions. Advanced modeling of protein sequence and biophysical properties (such as structural, functional, and spatial information, amino acid conservation, physicochemical variation, residue mobility, and thermodynamic stability) performed at Invitae indicates that this missense variant is expected to disrupt NF1 protein function with a positive predictive value of 95%. In summary, the available evidence is currently insufficient to determine the role of this variant in disease. Therefore, it has been classified as a Variant of Uncertain Significance.

Ambry Genetics
Classification: Uncertain significance for Cardiovascular phenotype; Hereditary cancer-predisposing syndrome. Last evaluated: 2024-01-09. Review status: criteria provided, single submitter. Criteria: Ambry Variant Classification Scheme 2023. Collection method: clinical testing. Allele origin: germline.
Comment: The p.P2138R variant (also known as c.6413C>G), located in coding exon 42 of the NF1 gene, results from a C to G substitution at nucleotide position 6413. The proline at codon 2138 is replaced by arginine, an amino acid with dissimilar properties. This amino acid position is conserved. In addition, this alteration is predicted to be deleterious by in silico analysis. Since supporting evidence is limited at this time, the clinical significance of this alteration remains unclear.

NM_001042492.3(NF1):c.6476C>G (p.Pro2159Arg)

Gene: NF1 (neurofibromin 1; plus strand). Cytogenetic location: 17q11.2.
Variant type: single nucleotide variant.
Coding change: c.6476C>G on transcript NM_001042492.3 (MANE Select); coding-DNA position 6476, C replaced by G.
Protein change: p.Pro2159Arg; replaces proline 2159 with arginine.
Molecular consequence: missense variant.
Genome position (GRCh38, 1-based): chr17:31,337,416, C>G. VCF-style: chr17-31337416-C-G. GRCh37 (hg19) VCF-style: chr17-29664434-C-G.
Other names: c.6413C>G, p.Pro2138Arg (NM_000267.4); short protein forms P2138R, P2159R.
Identifiers: ClinVar variation 3237877 (VCV003237877.3), dbSNP rs2151556103.